The following is an entry in ClinVar:

ClinVar aggregate classification (germline): Uncertain significance (1 of 4 stars; one submission).

Conditions:
Methylmalonic acidemia with homocystinuria, type cblX (MAHCX). Also called: INTELLECTUAL DEVELOPMENTAL DISORDER, X-LINKED 3. Identifiers: Orphanet 369962, MedGen C0796208, MONDO:0010657, OMIM 309541.

Submission:

Labcorp Genetics (formerly Invitae), Labcorp
Classification: Uncertain significance for Methylmalonic acidemia with homocystinuria, type cblX. Last evaluated: 2026-01-24. Review status: criteria provided, single submitter. Criteria: Invitae Variant Classification Sherloc (09022015). Collection method: clinical testing. Allele origin: germline.
Comment: This sequence change replaces proline, which is neutral and non-polar, with threonine, which is neutral and polar, at codon 1252 of the HCFC1 protein (p.Pro1252Thr). This variant is not present in population databases (gnomAD no frequency). This variant has not been reported in the literature in individuals affected with HCFC1-related conditions. An algorithm developed to predict the effect of missense changes on protein structure and function (PolyPhen-2) suggests that this variant is likely to be tolerated. In summary, the available evidence is currently insufficient to determine the role of this variant in disease. Therefore, it has been classified as a Variant of Uncertain Significance.

NM_005334.3(HCFC1):c.3754C>A (p.Pro1252Thr)

Gene: HCFC1 (host cell factor C1; minus strand). Cytogenetic location: Xq28.
Variant type: single nucleotide variant.
Coding change: c.3754C>A on transcript NM_005334.3 (MANE Select); coding-DNA position 3754, C replaced by A.
Protein change: p.Pro1252Thr; replaces proline 1252 with threonine.
Molecular consequence: missense variant.
Genome position (GRCh38, 1-based): chrX:153,954,645, G>T on the plus strand (C>A on the coding strand, the complement: HCFC1 is on the minus strand). VCF-style: chrX-153954645-G-T. GRCh37 (hg19) VCF-style: chrX-153220096-G-T.
Other names: c.3754C>A, p.Pro1252Thr (NM_001410705.1, NM_001440843.1, NM_001440844.1 and 5 more transcripts); c.3556C>A, p.Pro1186Thr (NM_001440850.1, NM_001440851.1); short protein forms P1186T, P1252T.
Identifiers: ClinVar variation 4733023 (VCV004733023.1).